The following is an entry in ClinVar:

NM_006662.3(SRCAP):c.3998C>T (p.Pro1333Leu)

Gene: SRCAP (Snf2 related CREBBP activator protein; plus strand). Cytogenetic location: 16p11.2.
Variant type: single nucleotide variant.
Coding change: c.3998C>T on transcript NM_006662.3 (MANE Select); coding-DNA position 3998, C replaced by T.
Protein change: p.Pro1333Leu; replaces proline 1333 with leucine.
Molecular consequence: missense variant.
Genome position (GRCh38, 1-based): chr16:30,723,068, C>T. VCF-style: chr16-30723068-C-T. GRCh37 (hg19) VCF-style: chr16-30734389-C-T.
Other names: short protein forms P1333L.
Identifiers: ClinVar variation 3774866 (VCV003774866.1).
Genomic context (GRCh38, chr16:30,723,068, plus strand): 5'-TGAGACAAGCCCCTCGGGATGGACTGACTCCTGTTCCTCCATTGGCCCCAGCACCCCGGC[C>T]TCCGAGCTCTGGGCTTCCAGCTGTGTTGAATCCACGCCCCACGTTAACCCCTGGCCGGCT-3'
Protein context (NP_006653.2, residues 1323-1343): PVPPLAPAPR[Pro1333Leu]PSSGLPAVLN

ClinVar aggregate classification (germline): Uncertain significance (1 of 4 stars; one submission).

gnomAD v4.1: 1 of 1,614,158 alleles (0.000062%); highest among the groups gnomAD compares: African/African-American, 0.0013%; no homozygotes.

Submission:

GeneDx
Classification: Uncertain significance. Last evaluated: 2024-09-30. Review status: criteria provided, single submitter. Criteria: GeneDx Variant Classification Process June 2021. Collection method: clinical testing. Allele origin: germline. Affected: yes.
Comment: Not observed at significant frequency in large population cohorts (gnomAD); In silico analysis supports that this missense variant has a deleterious effect on protein structure/function; Has not been previously published as pathogenic or benign to our knowledge